The following is an entry in ClinVar:

ClinVar aggregate classification (germline): Uncertain significance (1 of 4 stars; one submission).

Conditions:
Cardiovascular phenotype. Identifiers: MedGen CN230736.

Submission:

Ambry Genetics
Classification: Uncertain significance for Cardiovascular phenotype. Last evaluated: 2025-10-05. Review status: criteria provided, single submitter. Criteria: Ambry Variant Classification Scheme 2023. Collection method: clinical testing. Allele origin: germline.
Comment: The p.A98G variant (also known as c.293C>G), located in coding exon 2 of the TBX20 gene, results from a C to G substitution at nucleotide position 293. The alanine at codon 98 is replaced by glycine, an amino acid with similar properties. This amino acid position is conserved. In addition, the in silico prediction for this alteration is inconclusive. Based on the available evidence, the clinical significance of this variant remains unclear.

NM_001077653.2(TBX20):c.293C>G (p.Ala98Gly)

Gene: TBX20 (T-box transcription factor 20; minus strand). Cytogenetic location: 7p14.2.
Variant type: single nucleotide variant.
Coding change: c.293C>G on transcript NM_001077653.2 (MANE Select); coding-DNA position 293, C replaced by G.
Protein change: p.Ala98Gly; replaces alanine 98 with glycine.
Molecular consequence: missense variant.
Genome position (GRCh38, 1-based): chr7:35,250,038, G>C on the plus strand (C>G on the coding strand, the complement: TBX20 is on the minus strand). VCF-style: chr7-35250038-G-C. GRCh37 (hg19) VCF-style: chr7-35289650-G-C.
Other names: c.293C>G, p.Ala98Gly (NM_001166220.1); short protein forms A98G.
Identifiers: ClinVar variation 4615070 (VCV004615070.1).